The following is an entry in ClinVar:

NC_000016.10:g.(?_2070436)_(2080397_?)dup

Gene: TSC2 (TSC complex subunit 2; plus strand). Cytogenetic location: 16p13.3.
Variant type: Duplication.
Identifiers: ClinVar variation 831755 (VCV000831755.6).

ClinVar aggregate classification (germline): Pathogenic (1 of 4 stars; one submission).

Conditions:
Tuberous sclerosis 2 (TSC2). Identifiers: Orphanet 805, MedGen C1860707, MONDO:0013199, OMIM 613254.

Submission:

Labcorp Genetics (formerly Invitae), Labcorp
Classification: Pathogenic for Tuberous sclerosis 2. Last evaluated: 2022-02-05. Review status: criteria provided, single submitter. Criteria: Invitae Variant Classification Sherloc (09022015). Collection method: clinical testing. Allele origin: germline.
Comment: For these reasons, this variant has been classified as Pathogenic. A similar copy number variant has been observed in individuals with tuberous sclerosis complex (Invitae). This variant results in a copy number gain of the genomic region encompassing exon(s) 17-30 of the TSC2 gene. While the exact position of this variant cannot be determined from the data, sub-genic copy number gains are generally in tandem (PMID: 25640679). This variant is predicted to be out-of-frame, and may result in an absent or disrupted protein product. Loss-of-function variants in TSC2 are known to be pathogenic (PMID: 10205261, 17304050).

Literature cited by the submitters: PubMed 25640679; PubMed 10205261; PubMed 17304050.